The following is an entry in ClinVar:

NM_022367.4(SEMA4A):c.1339G>A (p.Val447Met)

Gene: SEMA4A (semaphorin 4A; plus strand). Cytogenetic location: 1q22.
Variant type: single nucleotide variant.
Coding change: c.1339G>A on transcript NM_022367.4 (MANE Select); coding-DNA position 1339, G replaced by A.
Protein change: p.Val447Met; replaces valine 447 with methionine.
Molecular consequence: missense variant.
Genome position (GRCh38, 1-based): chr1:156,174,845, G>A. VCF-style: chr1-156174845-G-A. GRCh37 (hg19) VCF-style: chr1-156144636-G-A.
Other names: c.1339G>A, p.Val447Met (NM_001193300.2, NM_001193301.2, NM_001370567.1); c.943G>A, p.Val315Met (NM_001193302.2); c.1042G>A, p.Val348Met (NM_001370568.1); c.832G>A, p.Val278Met (NM_001370569.1, NM_001370571.1); short protein forms V278M, V348M, V315M, V447M.
Identifiers: ClinVar variation 2130621 (VCV002130621.4), dbSNP rs777482695, ClinGen allele CA1155343.

ClinVar aggregate classification (germline): Uncertain significance (1 of 4 stars; one submission).

Allele frequency attached by ClinVar (database versions not stated): ExAC 0.00002.
gnomAD v4.1: 30 of 1,614,218 alleles (0.0019%); highest among the groups gnomAD compares: Non-Finnish European, 0.0025%; no homozygotes.

Submission:

Labcorp Genetics (formerly Invitae), Labcorp
Classification: Uncertain significance. Last evaluated: 2024-02-23. Review status: criteria provided, single submitter. Criteria: Invitae Variant Classification Sherloc (09022015). Collection method: clinical testing. Allele origin: germline.
Comment: This sequence change replaces valine, which is neutral and non-polar, with methionine, which is neutral and non-polar, at codon 447 of the SEMA4A protein (p.Val447Met). This variant is present in population databases (rs777482695, gnomAD 0.002%). This variant has not been reported in the literature in individuals affected with SEMA4A-related conditions. ClinVar contains an entry for this variant (Variation ID: 2130621). Advanced modeling of protein sequence and biophysical properties (such as structural, functional, and spatial information, amino acid conservation, physicochemical variation, residue mobility, and thermodynamic stability) performed at Invitae indicates that this missense variant is not expected to disrupt SEMA4A protein function with a negative predictive value of 80%. In summary, the available evidence is currently insufficient to determine the role of this variant in disease. Therefore, it has been classified as a Variant of Uncertain Significance.